The following is an entry in ClinVar:

ClinVar aggregate classification (germline): Pathogenic (1 of 4 stars; one submission).

Conditions:
Cohen syndrome (COH1). Also called: PEPPER SYNDROME; Cutis verticis gyrata, retinitis pigmentosa, and sensorineural deafness. Identifiers: Orphanet 193, MedGen C0265223, MONDO:0008999, OMIM 216550.

Submission:

Labcorp Genetics (formerly Invitae), Labcorp
Classification: Pathogenic for Cohen syndrome. Last evaluated: 2018-07-13. Review status: criteria provided, single submitter. Criteria: Invitae Variant Classification Sherloc (09022015). Collection method: clinical testing. Allele origin: germline.
Comment: This variant is an in-frame deletion of the genomic region encompassing exons 20-29 of the VPS13B gene. It preserves the integrity of the reading frame. This variant has not been reported in the literature in individuals with VPS13B-related disease. Sub-genic deletion of exons 20-21 has been determined to be pathogenic (PMID: PMID: 15141358, 16648375). Therefore, deletions that fully encompass that region are also expected to be pathogenic. For these reasons, this variant has been classified as Pathogenic.

Literature cited by the submitters: PubMed 15141358; PubMed 16648375.

NC_000008.11:g.(?_99384188)_(99511532_?)del

Gene: VPS13B (vacuolar protein sorting 13 homolog B; plus strand). Cytogenetic location: 8q22.2.
Variant type: Deletion.
Identifiers: ClinVar variation 660699 (VCV000660699.1).